The following is an entry in ClinVar:

NM_024675.4(PALB2):c.2984C>T (p.Ala995Val)

Gene: PALB2 (partner and localizer of BRCA2; minus strand). Cytogenetic location: 16p12.2.
Variant type: single nucleotide variant.
Coding change: c.2984C>T on transcript NM_024675.4 (MANE Select); coding-DNA position 2984, C replaced by T.
Protein change: p.Ala995Val; replaces alanine 995 with valine.
Molecular consequence: missense variant.
Genome position (GRCh38, 1-based): chr16:23,622,981, G>A on the plus strand (C>T on the coding strand, the complement: PALB2 is on the minus strand). VCF-style: chr16-23622981-G-A. GRCh37 (hg19) VCF-style: chr16-23634302-G-A.
Other names: short protein forms A995V.
Identifiers: ClinVar variation 565617 (VCV000565617.12), dbSNP rs1567213581, ClinGen allele CA395143891.

ClinVar aggregate classification (germline): Uncertain significance. Review status: criteria provided, multiple submitters, no conflicts (2 of 4 stars). 3 submissions from 3 submitters: Uncertain significance (3). Last evaluated 2025-12-07.

Conditions:
Familial cancer of breast. Also called: hereditary breast carcinoma; Hereditary breast cancer; BREAST CANCER, FAMILIAL. Identifiers: Orphanet 227535, MedGen C0346153, MONDO:0016419, OMIM 114480. Disease mechanism: loss of function.
Hereditary cancer-predisposing syndrome. Also called: Hereditary neoplastic syndrome; Neoplastic Syndromes, Hereditary; Tumor predisposition; Hereditary Cancer Syndrome. Identifiers: Orphanet 140162, MedGen C0027672, MeSH D009386, MONDO:0015356.

Allele frequency attached by ClinVar (database versions not stated): gnomAD exomes below 0.00001.
gnomAD v4.1: 1 of 1,614,078 alleles (0.000062%); highest among the groups gnomAD compares: Non-Finnish European, 0.000085%; no homozygotes.

Submissions (3):

Ambry Genetics
Classification: Uncertain significance for Hereditary cancer-predisposing syndrome. Last evaluated: 2025-12-07. Review status: criteria provided, single submitter. Criteria: Ambry Variant Classification Scheme 2023. Collection method: clinical testing. Allele origin: germline.
Comment: The p.A995V variant (also known as c.2984C>T), located in coding exon 9 of the PALB2 gene, results from a C to T substitution at nucleotide position 2984. The alanine at codon 995 is replaced by valine, an amino acid with similar properties. This amino acid position is conserved. In addition, this alteration is predicted to be tolerated by in silico analysis. Based on the available evidence, the clinical significance of this variant remains unclear.

Labcorp Genetics (formerly Invitae), Labcorp
Classification: Uncertain significance for Familial cancer of breast. Last evaluated: 2025-04-17. Review status: criteria provided, single submitter. Criteria: Invitae Variant Classification Sherloc (09022015). Collection method: clinical testing. Allele origin: germline.
Comment: This sequence change replaces alanine, which is neutral and non-polar, with valine, which is neutral and non-polar, at codon 995 of the PALB2 protein (p.Ala995Val). This variant is not present in population databases (gnomAD no frequency). This variant has not been reported in the literature in individuals affected with PALB2-related conditions. ClinVar contains an entry for this variant (Variation ID: 565617). Invitae Evidence Modeling of protein sequence and biophysical properties (such as structural, functional, and spatial information, amino acid conservation, physicochemical variation, residue mobility, and thermodynamic stability) indicates that this missense variant is expected to disrupt PALB2 protein function with a positive predictive value of 80%. In summary, the available evidence is currently insufficient to determine the role of this variant in disease. Therefore, it has been classified as a Variant of Uncertain Significance.

Color Diagnostics, LLC DBA Color Health
Classification: Uncertain significance for Hereditary cancer-predisposing syndrome. Last evaluated: 2023-12-12. Review status: criteria provided, single submitter. Criteria: ACMG Guidelines, 2015. Collection method: clinical testing. Allele origin: germline.
Comment: This missense variant replaces alanine with valine at codon 995 of the PALB2 protein. Computational prediction suggests that this variant may not impact protein structure and function. To our knowledge, functional studies have not been reported for this variant. This variant has not been reported in individuals affected with PALB2-related disorders in the literature. This variant has not been identified in the general population by the Genome Aggregation Database (gnomAD). The available evidence is insufficient to determine the role of this variant in disease conclusively. Therefore, this variant is classified as a Variant of Uncertain Significance.